The following is an entry in ClinVar:

NM_001267550.2(TTN):c.49998T>C (p.Asn16666=)

Genes: TTN (titin; minus strand), TTN-AS1 (TTN antisense RNA 1; plus strand). Cytogenetic location: 2q31.2.
Variant type: single nucleotide variant.
Coding change: c.49998T>C on transcript NM_001267550.2 (MANE Select); coding-DNA position 49998, T replaced by C.
Protein change: p.Asn16666=; no amino-acid change (asparagine 16666 retained).
Molecular consequence: synonymous variant.
Genome position (GRCh38, 1-based): chr2:178,612,527, A>G on the plus strand (T>C on the coding strand, the complement: TTN is on the minus strand). VCF-style: chr2-178612527-A-G. GRCh37 (hg19) VCF-style: chr2-179477254-A-G.
Other names: p.N15025N:AAT>AAC; p.Asn14098=; c.45075T>C, p.Asn15025= (NM_001256850.1); c.22803T>C, p.Asn7601= (NM_003319.4); c.42294T>C, p.Asn14098= (NM_133378.4); c.23178T>C, p.Asn7726= (NM_133432.3); c.23379T>C, p.Asn7793= (NM_133437.4).
Identifiers: ClinVar variation 47038 (VCV000047038.36), dbSNP rs376917681, ClinGen allele CA283360.

ClinVar aggregate classification (germline): Benign/Likely benign. Review status: criteria provided, multiple submitters, no conflicts (2 of 4 stars). 19 submissions from 16 submitters: Benign (7); Likely benign (10). 2 of the submissions do not count toward it. Last evaluated 2026-09-21.

Conditions:
TTN-related disorder. Also called: TTN-related disorders; TTN-related condition; TTN-related disease.
Cardiovascular phenotype. Identifiers: MedGen CN230736.
Dilated cardiomyopathy 1G (CMD1G). Identifiers: Orphanet 154, MedGen C1858763, MONDO:0011400, OMIM 604145.
Autosomal recessive limb-girdle muscular dystrophy type 2J (LGMDR10). Also called: MUSCULAR DYSTROPHY, LIMB-GIRDLE, AUTOSOMAL RECESSIVE 10; Limb-girdle muscular dystrophy, type 2J. Identifiers: Orphanet 140922, MedGen C1837342, MONDO:0012127, OMIM 608807.
Cardiomyopathy (CMYO). Also called: Cardiomyopathies. Identifiers: Orphanet 167848, MedGen C0878544, MONDO:0004994, HP:0001638. Inheritance: Various modes of inheritance.
Early-onset myopathy with fatal cardiomyopathy (CMYO5). Also called: CONGENITAL MYOPATHY 5 WITH CARDIOMYOPATHY; Salih Myopathy. Identifiers: Orphanet 289377, MedGen C2673677, MONDO:0012714, OMIM 611705. Disease mechanism: loss of function.
Myopathy, myofibrillar, 9, with early respiratory failure (MFM9). Also called: Myopathy, distal, with early respiratory failure, autosomal dominant; Hereditary myopathy with early respiratory failure; MYOPATHY, PROXIMAL, WITH EARLY RESPIRATORY MUSCLE INVOLVEMENT; EDSTROM MYOPATHY. Identifiers: Orphanet 178464, Orphanet 34521, MedGen C1863599, MONDO:0011362, OMIM 603689.
Tibial muscular dystrophy (TMD). Also called: Udd Distal Myopathy – Tibial Muscular Dystrophy; Tibial muscular dystrophy, tardive; UDD MYOPATHY. Identifiers: Orphanet 609, MedGen C1838244, MONDO:0010870, OMIM 600334.

Allele frequency attached by ClinVar (database versions not stated): gnomAD exomes 0.00020 and 0.00008; 1000 Genomes Project 30x 0.00047; gnomAD 0.00102 and 0.00093; ExAC 0.00024; 1000 Genomes Project 0.00040; TOPMed 0.00104; ESP Exome Variant Server 0.00116.
gnomAD v4.1: 259 of 1,611,692 alleles (0.016%); highest among the groups gnomAD compares: African/African-American, 0.32%; 1 homozygote.

Submissions (19):

Molecular Diagnostic Laboratory for Inherited Cardiovascular Disease, Montreal Heart Institute
Classification: Likely benign. Last evaluated: 2026-09-21. Review status: criteria provided, single submitter. Criteria: ACMG Guidelines, 2015. Collection method: clinical testing. Allele origin: germline. Affected: no.
Comment: BS1;BP7

Labcorp Genetics (formerly Invitae), Labcorp
Classification: Benign for Dilated cardiomyopathy 1G; Autosomal recessive limb-girdle muscular dystrophy type 2J. Last evaluated: 2026-01-25. Review status: criteria provided, single submitter. Criteria: Invitae Variant Classification Sherloc (09022015). Collection method: clinical testing. Allele origin: germline.

Women's Health and Genetics/Laboratory Corporation of America, LabCorp
Classification: Likely benign. Last evaluated: 2025-09-14. Review status: criteria provided, single submitter. Criteria: LabCorp Variant Classification Summary - May 2015. Collection method: clinical testing. Allele origin: germline.

ARUP Laboratories, Molecular Genetics and Genomics, ARUP Laboratories
Classification: Likely benign. Last evaluated: 2025-05-14. Review status: criteria provided, single submitter. Criteria: ARUP Molecular Germline Variant Investigation Process 2024. Collection method: clinical testing. Allele origin: germline.

PreventionGenetics, part of Exact Sciences
Classification: Likely benign for TTN-related condition. Last evaluated: 2025-03-31. Review status: criteria provided, single submitter. Criteria: ACMG Guidelines, 2015. Collection method: clinical testing. Allele origin: germline.
Comment: This variant is classified as likely benign based on ACMG/AMP sequence variant interpretation guidelines (Richards et al. 2015 PMID: 25741868, with internal and published modifications).

Mayo Clinic Laboratories, Mayo Clinic
Classification: Likely benign. Last evaluated: 2025-03-26. Review status: criteria provided, single submitter. Criteria: ACMG Guidelines, 2015. Collection method: clinical testing. Allele origin: germline. Observed: 1 variant allele.
Comment: BS1, BP4, BP7

Blueprint Genetics
Classification: Likely benign. Last evaluated: 2024-10-09. Review status: criteria provided, single submitter. Criteria: ACMG Guidelines, 2015. Collection method: clinical testing. Allele origin: germline.

Genome-Nilou Lab
Classification: Benign for Autosomal recessive limb-girdle muscular dystrophy type 2J. Last evaluated: 2021-09-10. Review status: criteria provided, single submitter. Criteria: ACMG Guidelines, 2015. Collection method: clinical testing. Allele origin: germline. Affected: no.

Genome-Nilou Lab
Classification: Benign for Myopathy, myofibrillar, 9, with early respiratory failure. Last evaluated: 2021-09-10. Review status: criteria provided, single submitter. Criteria: ACMG Guidelines, 2015. Collection method: clinical testing. Allele origin: germline. Affected: no.

Genome-Nilou Lab
Classification: Benign for Early-onset myopathy with fatal cardiomyopathy. Last evaluated: 2021-09-10. Review status: criteria provided, single submitter. Criteria: ACMG Guidelines, 2015. Collection method: clinical testing. Allele origin: germline. Affected: no.

Genome-Nilou Lab
Classification: Benign for Tibial muscular dystrophy. Last evaluated: 2021-09-10. Review status: criteria provided, single submitter. Criteria: ACMG Guidelines, 2015. Collection method: clinical testing. Allele origin: germline. Affected: no.

Eurofins Ntd Llc (ga)
Classification: Likely benign. Last evaluated: 2017-09-15. Review status: criteria provided, single submitter. Criteria: EGL Classification Definitions 2015. Collection method: clinical testing. Allele origin: germline. Observed: 3 variant alleles, 3 heterozygotes.

Ambry Genetics
Classification: Likely benign for Cardiovascular phenotype. Last evaluated: 2017-03-15. Review status: criteria provided, single submitter. Criteria: Ambry Variant Classification Scheme 2023. Collection method: clinical testing. Allele origin: germline.

CHEO Genetics Diagnostic Laboratory, Children's Hospital of Eastern Ontario
Classification: Benign for Cardiomyopathy. Last evaluated: 2017-02-16. Review status: criteria provided, single submitter. Criteria: ACMG Guidelines, 2015. Collection method: clinical testing. Allele origin: germline. Study: Canadian Open Genetics Repository.

GeneDx
Classification: Benign. Last evaluated: 2014-04-20. Review status: criteria provided, single submitter. Criteria: GeneDx Variant Classification (06012015). Collection method: clinical testing. Allele origin: germline. Affected: yes.
Comment: This variant is considered likely benign or benign based on one or more of the following criteria: it is a conservative change, it occurs at a poorly conserved position in the protein, it is predicted to be benign by multiple in silico algorithms, and/or has population frequency not consistent with disease.

Laboratory for Molecular Medicine, Mass General Brigham Personalized Medicine
Classification: Likely benign. Last evaluated: 2012-03-19. Review status: criteria provided, single submitter. Criteria: LMM Criteria. Collection method: clinical testing. Allele origin: germline. Observed: 1 variant allele.
Comment: Asn14098Asn in exon 215 of TTN: This variant is not expected to have clinical si gnificance because it does not alter an amino acid residue and is not located wi thin the splice consensus sequence. It has been identified in 0.2% (7/3114) of A frican American chromosomes from a broad population by the NHLBI Exome Sequencin g Project. Asn14098Asn in exon 215 of TTN (a llele frequency = 0.2%, 7/3114) **

Breakthrough Genomics
Classification: Likely benign. Review status: criteria provided, single submitter. Criteria: ACMG Guidelines, 2015. Collection method: not provided. Allele origin: germline. Inheritance: Autosomal recessive inheritance. Affected: yes.

Clinical Genetics DNA and cytogenetics Diagnostics Lab, Erasmus MC, Erasmus Medical Center
Classification: Likely benign. Review status: no assertion criteria provided. Collection method: clinical testing. Allele origin: germline. Affected: yes. Study: VKGL Data-share Consensus. Not counted in ClinVar's aggregate classification.

Clinical Genetics, Academic Medical Center
Classification: Benign. Review status: no assertion criteria provided. Collection method: clinical testing. Allele origin: germline. Affected: yes. Study: VKGL Data-share Consensus. Not counted in ClinVar's aggregate classification.